The following is an entry in ClinVar:

ClinVar aggregate classification (germline): Uncertain significance (1 of 4 stars; one submission).

Conditions:
Inborn genetic diseases. Identifiers: MedGen C0950123, MeSH D030342.

Submission:

Ambry Genetics
Classification: Uncertain significance for Inborn genetic diseases. Last evaluated: 2025-11-10. Review status: criteria provided, single submitter. Criteria: Ambry Variant Classification Scheme 2023. Collection method: clinical testing. Allele origin: germline.
Comment: The p.I221V variant (also known as c.661A>G), located in coding exon 6 of the DNMT3A gene, results from an A to G substitution at nucleotide position 661. The isoleucine at codon 221 is replaced by valine, an amino acid with highly similar properties. This amino acid position is conserved. In addition, this alteration is predicted to be tolerated by in silico analysis. Based on the available evidence, the clinical significance of this variant remains unclear.

NM_022552.5(DNMT3A):c.661A>G (p.Ile221Val)

Gene: DNMT3A (DNA methyltransferase 3 alpha; minus strand). Cytogenetic location: 2p23.3.
Variant type: single nucleotide variant.
Coding change: c.661A>G on transcript NM_022552.5 (MANE Select); coding-DNA position 661, A replaced by G.
Protein change: p.Ile221Val; replaces isoleucine 221 with valine.
Molecular consequence: missense variant. On other transcripts: 5 prime UTR variant (1), non-coding transcript variant (1).
Genome position (GRCh38, 1-based): chr2:25,248,231, T>C on the plus strand (A>G on the coding strand, the complement: DNMT3A is on the minus strand). VCF-style: chr2-25248231-T-C. GRCh37 (hg19) VCF-style: chr2-25471100-T-C.
Other names: c.205A>G, p.Ile69Val (NM_001320893.1); c.-9A>G (NM_001375819.1); c.94A>G, p.Ile32Val (NM_153759.3); c.661A>G, p.Ile221Val (NM_175629.2); short protein forms I32V, I69V, I221V.
Identifiers: ClinVar variation 4617776 (VCV004617776.1).